The following is an entry in ClinVar:

NM_020297.4(ABCC9):c.2826T>G (p.Tyr942Ter)

Gene: ABCC9 (ATP binding cassette subfamily C member 9; minus strand). Cytogenetic location: 12p12.1.
Variant type: single nucleotide variant.
Coding change: c.2826T>G on transcript NM_020297.4 (MANE Select); coding-DNA position 2826, T replaced by G.
Protein change: p.Tyr942Ter; replaces tyrosine 942 with a stop codon.
Molecular consequence: nonsense.
Genome position (GRCh38, 1-based): chr12:21,848,190, A>C on the plus strand (T>G on the coding strand, the complement: ABCC9 is on the minus strand). VCF-style: chr12-21848190-A-C. GRCh37 (hg19) VCF-style: chr12-22001124-A-C.
Other names: c.1959T>G, p.Tyr653Ter (NM_001377274.1); c.2826T>G, p.Tyr942Ter (NM_005691.4, NM_001377273.1); short protein forms Y653*, Y942*.
Identifiers: ClinVar variation 1044828 (VCV001044828.6), dbSNP rs141025897, ClinGen allele CA384121998.

ClinVar aggregate classification (germline): Pathogenic (1 of 4 stars; one submission).

Conditions:
Dilated cardiomyopathy 1O (CMD1O). Also called: CARDIOMYOPATHY, DILATED, WITH VENTRICULAR TACHYCARDIA. Identifiers: Orphanet 154, MedGen C1837839, MONDO:0012062, OMIM 608569.

Allele frequency attached by ClinVar (database versions not stated): TOPMed 0.00002.
gnomAD v4.1: 1 of 1,613,580 alleles (0.000062%); highest among the groups gnomAD compares: Non-Finnish European, 0.000085%; no homozygotes.

Submission:

Labcorp Genetics (formerly Invitae), Labcorp
Classification: Pathogenic for Dilated cardiomyopathy 1O. Last evaluated: 2025-05-21. Review status: criteria provided, single submitter. Criteria: Invitae Variant Classification Sherloc (09022015). Collection method: clinical testing. Allele origin: germline.
Comment: This sequence change creates a premature translational stop signal (p.Tyr942*) in the ABCC9 gene. It is expected to result in an absent or disrupted protein product. Loss-of-function variants in ABCC9 are known to be pathogenic (PMID: 31575858, 38217872). This variant is not present in population databases (gnomAD no frequency). This variant has not been reported in the literature in individuals affected with ABCC9-related conditions. ClinVar contains an entry for this variant (Variation ID: 1044828). For these reasons, this variant has been classified as Pathogenic.

Literature cited by the submitters: PubMed 31575858; PubMed 38217872.